The following is an entry in ClinVar:

ClinVar aggregate classification (germline): Benign. Review status: criteria provided, multiple submitters, no conflicts (2 of 4 stars). 3 submissions from 3 submitters: Benign (3). Last evaluated 2026-02-01.

Conditions:
Neurodegeneration with brain iron accumulation 5 (NBIA5). Also called: Beta-propeller protein-associated neurodegeneration; STATIC ENCEPHALOPATHY OF CHILDHOOD WITH NEURODEGENERATION IN ADULTHOOD. Identifiers: Orphanet 329284, MedGen C3550973, MONDO:0010476, OMIM 300894.

Allele frequency attached by ClinVar (database versions not stated): gnomAD 0.00006 and 0.00032; TOPMed 0.00008; gnomAD exomes 0.00056 and 0.00110; ExAC 0.00135; 1000 Genomes Project 0.00265; 1000 Genomes Project 30x 0.00271.
gnomAD v4.1: 648 of 1,209,682 alleles (0.054%); highest among the groups gnomAD compares: South Asian, 0.97%; 6 homozygotes.

Submissions (4):

Labcorp Genetics (formerly Invitae), Labcorp
Classification: Benign for Neurodegeneration with brain iron accumulation 5. Last evaluated: 2026-02-01. Review status: criteria provided, single submitter. Criteria: Invitae Variant Classification Sherloc (09022015). Collection method: clinical testing. Allele origin: germline.

Blueprint Genetics
Classification: Benign. Last evaluated: 2024-11-19. Review status: criteria provided, single submitter. Criteria: ACMG Guidelines, 2015. Collection method: clinical testing. Allele origin: germline.

GeneDx
Classification: Benign. Last evaluated: 2016-05-11. Review status: criteria provided, single submitter. Criteria: GeneDx Variant Classification (06012015). Collection method: clinical testing. Allele origin: germline. Affected: yes.
Comment: This variant is considered likely benign or benign based on one or more of the following criteria: it is a conservative change, it occurs at a poorly conserved position in the protein, it is predicted to be benign by multiple in silico algorithms, and/or has population frequency not consistent with disease.

Dr. Peter K. Rogan Lab, Western University
No classification provided (evidence only). Condition: Malignant tumor of urinary bladder. Review status: no classification provided. Collection method: in vitro. Allele origin: not applicable. Functional consequence: retained intron. Not counted in ClinVar's aggregate classification.

NM_001029896.2(WDR45):c.130+13C>T

Genes: WDR45 (WD repeat domain 45; minus strand), LOC126863256 (BRD4-independent group 4 enhancer GRCh37_chrX:48934848-48936047; plus strand). Cytogenetic location: Xp11.23.
Variant type: single nucleotide variant.
Coding change: c.130+13C>T on transcript NM_001029896.2 (MANE Select); 13 bases into the intron after coding-DNA position 130, C replaced by T.
Molecular consequence: intron variant.
Genome position (GRCh38, 1-based): chrX:49,077,824, G>A on the plus strand (C>T on the coding strand, the complement: WDR45 is on the minus strand). VCF-style: chrX-49077824-G-A. GRCh37 (hg19) VCF-style: chrX-48935483-G-A.
Other names: c.130+13C>T (NM_007075.4).
Identifiers: ClinVar variation 383865 (VCV000383865.11), dbSNP rs782457722, ClinGen allele CA10408620.